The following is an entry in ClinVar:

NM_182961.4(SYNE1):c.23461-6A>C

Gene: SYNE1 (spectrin repeat containing nuclear envelope protein 1; minus strand). Cytogenetic location: 6q25.2.
Variant type: single nucleotide variant.
Coding change: c.23461-6A>C on transcript NM_182961.4 (MANE Select); 6 bases into the intron before coding-DNA position 23461, A replaced by C.
Molecular consequence: intron variant.
Genome position (GRCh38, 1-based): chr6:152,176,566, T>G on the plus strand (A>C on the coding strand, the complement: SYNE1 is on the minus strand). VCF-style: chr6-152176566-T-G. GRCh37 (hg19) VCF-style: chr6-152497701-T-G.
Other names: c.23248-6A>C (NM_033071.5); c.67-6A>C (NM_001347701.2).
Identifiers: ClinVar variation 262186 (VCV000262186.26), dbSNP rs145098375, ClinGen allele CA4053588.

ClinVar aggregate classification (germline): Benign/Likely benign. Review status: criteria provided, multiple submitters, no conflicts (2 of 4 stars). 8 submissions from 7 submitters: Benign (4); Likely benign (4). Last evaluated 2026-02-01.

Conditions:
Emery-Dreifuss muscular dystrophy 4, autosomal dominant (EDMD4). Also called: EMERY-DREIFUSS MUSCULAR DYSTROPHY 4 WITH VARIABLE FEATURES. Identifiers: Orphanet 261, MedGen C2751807, MONDO:0013071, OMIM 612998.
Autosomal recessive ataxia, Beauce type. Also called: Spinocerebellar ataxia, autosomal recessive 8; ATAXIA, RECESSIVE, OF BEAUCE; SYNE1-Related Autosomal Recessive Cerebellar Ataxia; SYNE1 Deficiency. Identifiers: Orphanet 88644, MedGen C1853116, MONDO:0012549, OMIM 610743.

Allele frequency attached by ClinVar (database versions not stated): gnomAD exomes 0.00042; ExAC 0.00054; 1000 Genomes Project 0.00180; gnomAD 0.00182 and 0.00194; ESP Exome Variant Server 0.00185; 1000 Genomes Project 30x 0.00187; TOPMed 0.00200.
gnomAD v4.1: 487 of 1,613,896 alleles (0.03%); highest among the groups gnomAD compares: African/African-American, 0.6%; 1 homozygote.

Submissions (8):

Labcorp Genetics (formerly Invitae), Labcorp
Classification: Benign for Emery-Dreifuss muscular dystrophy 4, autosomal dominant; Autosomal recessive ataxia, Beauce type. Last evaluated: 2026-02-01. Review status: criteria provided, single submitter. Criteria: Invitae Variant Classification Sherloc (09022015). Collection method: clinical testing. Allele origin: germline.

Blueprint Genetics
Classification: Likely benign. Last evaluated: 2024-03-12. Review status: criteria provided, single submitter. Criteria: ACMG Guidelines, 2015. Collection method: clinical testing. Allele origin: germline.

GeneDx
Classification: Likely benign. Last evaluated: 2022-04-25. Review status: criteria provided, single submitter. Criteria: GeneDx Variant Classification Process June 2021. Collection method: clinical testing. Allele origin: germline. Affected: yes.
Comment: See Variant Classification Assertion Criteria.

Athena Diagnostics
Classification: Benign. Last evaluated: 2018-09-26. Review status: criteria provided, single submitter. Criteria: Athena Diagnostics Criteria. Collection method: clinical testing. Allele origin: germline.

Illumina Laboratory Services, Illumina
Classification: Likely benign for Autosomal recessive ataxia, Beauce type. Last evaluated: 2018-01-13. Review status: criteria provided, single submitter. Criteria: ICSL Variant Classification Criteria 13 December 2019. Collection method: clinical testing. Allele origin: germline.
Comment: This variant was observed in the ICSL laboratory as part of a predisposition screen in an ostensibly healthy population. It had not been previously curated by ICSL or reported in the Human Gene Mutation Database (HGMD: prior to June 1st, 2018), and was therefore a candidate for classification through an automated scoring system. Utilizing variant allele frequency, disease prevalence and penetrance estimates, and inheritance mode, an automated score was calculated to assess if this variant is too frequent to cause the disease. Based on the score and internal cut-off values, a variant classified as likely benign is not then subjected to further curation. The score for this variant resulted in a classification of likely benign for this disease.

Illumina Laboratory Services, Illumina
Classification: Benign for Emery-Dreifuss muscular dystrophy 4, autosomal dominant. Last evaluated: 2018-01-13. Review status: criteria provided, single submitter. Criteria: ICSL Variant Classification Criteria 13 December 2019. Collection method: clinical testing. Allele origin: germline.
Comment: This variant was observed in the ICSL laboratory as part of a predisposition screen in an ostensibly healthy population. It had not been previously curated by ICSL or reported in the Human Gene Mutation Database (HGMD: prior to June 1st, 2018), and was therefore a candidate for classification through an automated scoring system. Utilizing variant allele frequency, disease prevalence and penetrance estimates, and inheritance mode, an automated score was calculated to assess if this variant is too frequent to cause the disease. Based on the score and internal cut-off values, a variant classified as benign is not then subjected to further curation. The score for this variant resulted in a classification of benign for this disease.

Eurofins Ntd Llc (ga)
Classification: Benign. Last evaluated: 2016-05-22. Review status: criteria provided, single submitter. Criteria: EGL Classification Definitions 2015. Collection method: clinical testing. Allele origin: germline. Observed: 1 variant allele, 1 heterozygote.

PreventionGenetics, part of Exact Sciences
Classification: Likely benign. Review status: criteria provided, single submitter. Criteria: ACMG Guidelines, 2015. Collection method: clinical testing. Allele origin: germline.